The following is an entry in ClinVar:

NM_015450.3(POT1):c.125A>G (p.Asp42Gly)

Gene: POT1 (protection of telomeres 1; minus strand). Cytogenetic location: 7q31.33.
Variant type: single nucleotide variant.
Coding change: c.125A>G on transcript NM_015450.3 (MANE Select); coding-DNA position 125, A replaced by G.
Protein change: p.Asp42Gly; replaces aspartic acid 42 with glycine.
Molecular consequence: missense variant. On other transcripts: non-coding transcript variant (3), intron variant (1).
Genome position (GRCh38, 1-based): chr7:124,871,041, T>C on the plus strand (A>G on the coding strand, the complement: POT1 is on the minus strand). VCF-style: chr7-124871041-T-C. GRCh37 (hg19) VCF-style: chr7-124511095-T-C.
Other names: c.-138-7401A>G (NM_001042594.2); short protein forms D42G.
Identifiers: ClinVar variation 569253 (VCV000569253.14), dbSNP rs1562997283, ClinGen allele CA369061743.

ClinVar aggregate classification (germline): Uncertain significance. Review status: criteria provided, multiple submitters, no conflicts (2 of 4 stars). 2 submissions from 2 submitters: Uncertain significance (2). Last evaluated 2025-06-18.

Conditions:
Tumor predisposition syndrome 3 (TPDS3). Also called: Melanoma, cutaneous malignant, susceptibility to, 10; LONG TELOMERE SYNDROME, POT1-RELATED; POT1 Tumor Predisposition; Glioma susceptibility 9. Identifiers: Orphanet 618, MedGen C4014476, MONDO:0014368, OMIM 615848.
Hereditary cancer-predisposing syndrome. Also called: Tumor predisposition; Neoplastic Syndromes, Hereditary; Hereditary neoplastic syndrome; Hereditary Cancer Syndrome. Identifiers: Orphanet 140162, MedGen C0027672, MeSH D009386, MONDO:0015356.

Submissions (2):

Labcorp Genetics (formerly Invitae), Labcorp
Classification: Uncertain significance for Tumor predisposition syndrome 3. Last evaluated: 2025-06-18. Review status: criteria provided, single submitter. Criteria: Invitae Variant Classification Sherloc (09022015). Collection method: clinical testing. Allele origin: germline.
Comment: This sequence change replaces aspartic acid, which is acidic and polar, with glycine, which is neutral and non-polar, at codon 42 of the POT1 protein (p.Asp42Gly). This variant is not present in population databases (gnomAD no frequency). This variant has not been reported in the literature in individuals affected with POT1-related conditions. ClinVar contains an entry for this variant (Variation ID: 569253). An algorithm developed to predict the effect of missense changes on protein structure and function (PolyPhen-2) suggests that this variant is likely to be disruptive. This variant disrupts the p.Asp42 amino acid residue in POT1. Other variant(s) that disrupt this residue have been determined to be pathogenic (internal data). This suggests that this residue is clinically significant, and that variants that disrupt this residue are likely to be disease-causing. In summary, the available evidence is currently insufficient to determine the role of this variant in disease. Therefore, it has been classified as a Variant of Uncertain Significance.

Ambry Genetics
Classification: Uncertain significance for Hereditary cancer-predisposing syndrome. Last evaluated: 2025-01-22. Review status: criteria provided, single submitter. Criteria: Ambry Variant Classification Scheme 2023. Collection method: clinical testing. Allele origin: germline.
Comment: The p.D42G variant (also known as c.125A>G), located in coding exon 3 of the POT1 gene, results from a A to G substitution at nucleotide position 125. This variant impacts the first base pair of coding exon 3. The aspartic acid at codon 42 is replaced by glycine, an amino acid with similar properties. This amino acid position is highly conserved in available vertebrate species. In addition, this alteration is predicted to be deleterious by in silico analysis. Based on the available evidence, the clinical significance of this variant remains unclear.